The following is an entry in ClinVar:

ClinVar aggregate classification (germline): Uncertain significance. Review status: criteria provided, single submitter (1 of 4 stars). 2 submissions from 2 submitters: Uncertain significance (1). 1 of the submissions does not count toward it. Last evaluated 2025-06-11.

Conditions:
SMARCA2-related disorder. Also called: SMARCA2-related condition.

Submissions (2):

Labcorp Genetics (formerly Invitae), Labcorp
Classification: Uncertain significance. Last evaluated: 2025-06-11. Review status: criteria provided, single submitter. Criteria: Invitae Variant Classification Sherloc (09022015). Collection method: clinical testing. Allele origin: germline.
Comment: This sequence change falls in intron 5 of the SMARCA2 gene. It does not directly change the encoded amino acid sequence of the SMARCA2 protein. It affects a nucleotide within the consensus splice site. This variant is not present in population databases (gnomAD no frequency). This variant has not been reported in the literature in individuals affected with SMARCA2-related conditions. ClinVar contains an entry for this variant (Variation ID: 3032402). Variants that disrupt the consensus splice site are a relatively common cause of aberrant splicing (PMID: 17576681, 9536098). Algorithms developed to predict the effect of sequence changes on RNA splicing suggest that this variant is not likely to affect RNA splicing. In summary, the available evidence is currently insufficient to determine the role of this variant in disease. Therefore, it has been classified as a Variant of Uncertain Significance.

PreventionGenetics, part of Exact Sciences
Classification: Likely benign for SMARCA2-related condition. Last evaluated: 2023-09-29. Review status: no assertion criteria provided. Collection method: clinical testing. Allele origin: germline. Not counted in ClinVar's aggregate classification.
Comment: This variant is classified as likely benign based on ACMG/AMP sequence variant interpretation guidelines (Richards et al. 2015 PMID: 25741868, with internal and published modifications).

Literature cited by the submitters: PubMed 17576681 (cited by Labcorp Genetics (formerly Invitae), Labcorp); PubMed 9536098 (cited by Labcorp Genetics (formerly Invitae), Labcorp).

NM_003070.5(SMARCA2):c.1046+5C>A

Gene: SMARCA2 (SWI/SNF related BAF chromatin remodeling complex subunit ATPase 2; plus strand). Cytogenetic location: 9p24.3.
Variant type: single nucleotide variant.
Coding change: c.1046+5C>A on transcript NM_003070.5 (MANE Select); 5 bases into the intron after coding-DNA position 1046, C replaced by A.
Molecular consequence: intron variant.
Genome position (GRCh38, 1-based): chr9:2,047,489, C>A. VCF-style: chr9-2047489-C-A. GRCh37 (hg19) VCF-style: chr9-2047489-C-A.
Other names: c.1046+5C>A (NM_139045.4, NM_001289397.2, NM_001289396.2).
Identifiers: ClinVar variation 3032402 (VCV003032402.3), dbSNP rs1360206094, ClinGen allele CA2689238537.